The following is an entry in ClinVar:

ClinVar aggregate classification (germline): Uncertain significance (1 of 4 stars; one submission).

Conditions:
Intellectual developmental disorder, X-linked, syndromic 33. Also called: Intellectual disability, X-linked, syndromic 33; X-linked intellectual disability-global development delay-facial dysmorphism-sacral caudal remnant syndrome. Identifiers: Orphanet 480907, MedGen C4225418, MONDO:0010500, OMIM 300966.

Submission:

Neuberg Centre For Genomic Medicine, NCGM
Classification: Uncertain significance for Intellectual developmental disorder, X-linked, syndromic 33. Review status: criteria provided, single submitter. Criteria: ACMG Guidelines, 2015. Collection method: clinical testing. Allele origin: germline. Inheritance: X-linked recessive inheritance. Affected: yes.
Comment: The missense variant c.1558G>Cp.Glu520Gln in TAF1 gene has not been reported previously as a pathogenic variant nor as a benign variant, to our knowledge. The p.Glu520Gln variant is novel not in any individuals in gnomAD Exomes and 1000 Genomes. This variant has not been reported to the ClinVar database. The amino acid change p.Glu520Gln in TAF1 is predicted as conserved by GERP++ and PhyloP across 100 vertebrates. The amino acid Glu at position 520 is changed to a Gln changing protein sequence and it might alter its composition and physico-chemical properties. For these reasons, this variant has been classified as Uncertain Significance VUS.

NM_004606.5(TAF1):c.1558G>C (p.Glu520Gln)

Gene: TAF1 (TATA-box binding protein associated factor 1; plus strand). Cytogenetic location: Xq13.1.
Variant type: single nucleotide variant.
Coding change: c.1558G>C on transcript NM_004606.5 (MANE Select); coding-DNA position 1558, G replaced by C.
Protein change: p.Glu520Gln; replaces glutamic acid 520 with glutamine.
Molecular consequence: missense variant. On other transcripts: non-coding transcript variant (9).
Genome position (GRCh38, 1-based): chrX:71,382,556, G>C. VCF-style: chrX-71382556-G-C. GRCh37 (hg19) VCF-style: chrX-70602406-G-C.
Other names: c.1558G>C, p.Glu520Gln (NM_001286074.2); c.1495G>C, p.Glu499Gln (NM_138923.4); short protein forms E499Q, E520Q.
Identifiers: ClinVar variation 3235027 (VCV003235027.1), dbSNP rs2520217569, ClinGen allele CA413513330.